The following is an entry in ClinVar:

ClinVar aggregate classification (germline): Uncertain significance. Review status: criteria provided, multiple submitters, no conflicts (2 of 4 stars). 2 submissions from 2 submitters: Uncertain significance (2). Last evaluated 2025-02-10.

Conditions:
Hereditary cancer-predisposing syndrome. Also called: Neoplastic Syndromes, Hereditary; Hereditary Cancer Syndrome; Hereditary neoplastic syndrome; Tumor predisposition. Identifiers: Orphanet 140162, MedGen C0027672, MeSH D009386, MONDO:0015356.

Submissions (2):

Labcorp Genetics (formerly Invitae), Labcorp
Classification: Uncertain significance. Last evaluated: 2025-02-10. Review status: criteria provided, single submitter. Criteria: Invitae Variant Classification Sherloc (09022015). Collection method: clinical testing. Allele origin: germline.
Comment: This sequence change replaces isoleucine, which is neutral and non-polar, with threonine, which is neutral and polar, at codon 987 of the MSH3 protein (p.Ile987Thr). This variant is not present in population databases (gnomAD no frequency). This variant has not been reported in the literature in individuals affected with MSH3-related conditions. ClinVar contains an entry for this variant (Variation ID: 1060130). An algorithm developed to predict the effect of missense changes on protein structure and function (PolyPhen-2) suggests that this variant is likely to be disruptive. In summary, the available evidence is currently insufficient to determine the role of this variant in disease. Therefore, it has been classified as a Variant of Uncertain Significance.

Ambry Genetics
Classification: Uncertain significance for Hereditary cancer-predisposing syndrome. Last evaluated: 2023-07-12. Review status: criteria provided, single submitter. Criteria: Ambry Variant Classification Scheme 2023. Collection method: clinical testing. Allele origin: germline.
Comment: The p.I987T variant (also known as c.2960T>C), located in coding exon 21 of the MSH3 gene, results from a T to C substitution at nucleotide position 2960. The isoleucine at codon 987 is replaced by threonine, an amino acid with similar properties. This amino acid position is highly conserved in available vertebrate species. In addition, this alteration is predicted to be deleterious by in silico analysis. Since supporting evidence is limited at this time, the clinical significance of this alteration remains unclear.

NM_002439.5(MSH3):c.2960T>C (p.Ile987Thr)

Gene: MSH3 (mutS homolog 3; plus strand). Cytogenetic location: 5q14.1.
Variant type: single nucleotide variant.
Coding change: c.2960T>C on transcript NM_002439.5 (MANE Select); coding-DNA position 2960, T replaced by C.
Protein change: p.Ile987Thr; replaces isoleucine 987 with threonine.
Molecular consequence: missense variant.
Genome position (GRCh38, 1-based): chr5:80,854,276, T>C. VCF-style: chr5-80854276-T-C. GRCh37 (hg19) VCF-style: chr5-80150095-T-C.
Other names: short protein forms I987T.
Identifiers: ClinVar variation 1060130 (VCV001060130.9), dbSNP rs2112106600, ClinGen allele CA360275779.
Genomic context (GRCh38, chr5:80,854,276, plus strand): 5'-CATCACAGTCCTTGGTTATCTTGGATGAACTAGGAAGAGGGACGAGCACTCATGATGGAA[T>C]TGCCATTGCCTATGCTACACTTGAGTATTTCATCAGAGATGTAAGTATCCGGTAAACTGT-3'
Protein context (NP_002430.3, residues 977-997): LGRGTSTHDG[Ile987Thr]AIAYATLEYF